The following is an entry in ClinVar:

NM_000312.3(PROC):c.-150_-149delGT

Gene: PROC (protein C, inactivator of coagulation factors Va and VIIIa; plus strand). Cytogenetic location: 2q14.3.
Variant type: Deletion.
Coding change: c.-150_-149delGT on transcript NM_000312.3; 150 bases upstream of the start codon through 149 bases upstream of the start codon, 2 bases deleted (GT).
Genome position (GRCh38, 1-based): chr2:127,418,364-127,418,365, GT deleted; deleting any 2 consecutive bases within chr2:127,418,363-127,418,365 gives the same sequence; the c. name uses the placement nearest the transcript's 3' end. VCF-style (leftmost placement, unchanged base first): chr2-127418362-CTG-C. GRCh37 (hg19) VCF-style: chr2-128175938-CTG-C.
Identifiers: ClinVar variation 827669 (VCV000827669.4), dbSNP rs1573429874, ClinGen allele CA915942793.
Genomic context (GRCh38, chr2:127,418,362, plus strand): 5'-CAGAGGTGGGCTTCGGGCAGAACAAGCCGTGCTGAGCTAGGACCAGGAGTGCTAGTGCCA[CTG>C]TTTGTCTATGGAGAGGGAGGCCTCAGTGCTGAGGGCCAAGCAAATATTTGTGGTTATGGA-3'

ClinVar aggregate classification (germline): Uncertain significance (1 of 4 stars; one submission).

Submission:

MVZ Dr. Eberhard & Partner Dortmund
Classification: Uncertain significance. Last evaluated: 2019-09-20. Review status: criteria provided, single submitter. Criteria: ACMG Guidelines, 2015. Collection method: clinical testing. Allele origin: unknown. Affected: yes. Observed: 1 heterozygote.
Comment: c.-150_-149delGT is absent from controls like ESP, 1000 genomes or gnomAD. The mutation might affect the promoter region of PROC. The small deletion is located in the middle of the distal HNF-3 binding site of the PROC promoter. In vitro transfection studies showed that mutations in the in the distal HNF-3 binding site result in a reduced transcriptional activity (Tsay et al., DNA Cell Biol. 1996 Nov;15(11):907-19). Pathogenic mutations have been described only in the proximal HNF-3 binding site mutations so far (Millar et al., Hum Genet 2000 Jun;106(6):646-53).

Literature cited by the submitters: PubMed 8945631; PubMed 10942114.